The following is an entry in ClinVar:

ClinVar aggregate classification (germline): Benign. Review status: criteria provided, multiple submitters, no conflicts (2 of 4 stars). 2 submissions from 2 submitters: Benign (2). Last evaluated 2018-06-16.

Allele frequency attached by ClinVar (database versions not stated): gnomAD 0.01934 and 0.01972; TOPMed 0.02074; 1000 Genomes Project 0.02456; 1000 Genomes Project 30x 0.02483.
gnomAD v4.1: 2,917 of 152,264 alleles (1.9%); highest among the groups gnomAD compares: African/African-American, 4.9%; 67 homozygotes.

Submissions (2):

GeneDx
Classification: Benign. Last evaluated: 2018-06-16. Review status: criteria provided, single submitter. Criteria: GeneDx Variant Classification (06012015). Collection method: clinical testing. Allele origin: germline. Affected: yes.
Comment: This variant is considered likely benign or benign based on one or more of the following criteria: it is a conservative change, it occurs at a poorly conserved position in the protein, it is predicted to be benign by multiple in silico algorithms, and/or has population frequency not consistent with disease.

Breakthrough Genomics
Classification: Benign. Review status: criteria provided, single submitter. Criteria: ACMG Guidelines, 2015. Collection method: not provided. Allele origin: germline. Inheritance: Autosomal dominant inheritance. Affected: yes.

NM_000719.7(CACNA1C):c.5445-170A>G

Genes: CACNA1C (calcium voltage-gated channel subunit alpha1 C; plus strand), CACNA1C-AS1 (CACNA1C antisense RNA 1; minus strand). Cytogenetic location: 12p13.33.
Variant type: single nucleotide variant.
Coding change: c.5445-170A>G on transcript NM_000719.7 (MANE Select); 170 bases into the intron before coding-DNA position 5445, A replaced by G.
Molecular consequence: intron variant.
Genome position (GRCh38, 1-based): chr12:2,682,380, A>G. VCF-style: chr12-2682380-A-G. GRCh37 (hg19) VCF-style: chr12-2791546-A-G.
Other names: c.5550-170A>G (NM_001167624.3, NM_001129830.3); c.5445-170A>G (NM_001167623.2, NM_001129840.2, NM_001129842.2 and 2 more transcripts); c.5625-170A>G (NM_001167625.2); c.5694-170A>G (NM_199460.4); c.5589-170A>G (NM_001129827.2); c.5505-170A>G (NM_001129832.2); c.5529-170A>G (NM_001129831.2); c.5502-170A>G (NM_001129833.2, NM_001129834.2, NM_001129835.2); and 6 more.
Identifiers: ClinVar variation 675310 (VCV000675310.2), dbSNP rs112910593, ClinGen allele CA231613154.
Genomic context (GRCh38, chr12:2,682,380, plus strand): 5'-CATCCTTCTCCCAAATGGGACCCTCACCCTAATCTGAACACTTCTATGGATCCATCAGCA[A>G]TCACAGGAGAACAAAGCACCAGCAACTGTATGCCTGTTCACGTGTGTGTGCTTGTGTTTG-3'